The following is an entry in ClinVar:

ClinVar aggregate classification (germline): Uncertain significance (1 of 4 stars; one submission).

Submission:

Labcorp Genetics (formerly Invitae), Labcorp
Classification: Uncertain significance. Last evaluated: 2024-02-24. Review status: criteria provided, single submitter. Criteria: Invitae Variant Classification Sherloc (09022015). Collection method: clinical testing. Allele origin: germline.
Comment: This sequence change replaces tyrosine, which is neutral and polar, with histidine, which is basic and polar, at codon 1255 of the ROBO1 protein (p.Tyr1255His). This variant is not present in population databases (gnomAD no frequency). This variant has not been reported in the literature in individuals affected with ROBO1-related conditions. Advanced modeling of protein sequence and biophysical properties (such as structural, functional, and spatial information, amino acid conservation, physicochemical variation, residue mobility, and thermodynamic stability) performed at Invitae indicates that this missense variant is not expected to disrupt ROBO1 protein function with a negative predictive value of 95%. In summary, the available evidence is currently insufficient to determine the role of this variant in disease. Therefore, it has been classified as a Variant of Uncertain Significance.

NM_002941.4(ROBO1):c.3763T>C (p.Tyr1255His)

Gene: ROBO1 (roundabout guidance receptor 1; minus strand). Cytogenetic location: 3p12.3.
Variant type: single nucleotide variant.
Coding change: c.3763T>C on transcript NM_002941.4 (MANE Select); coding-DNA position 3763, T replaced by C.
Protein change: p.Tyr1255His; replaces tyrosine 1255 with histidine.
Molecular consequence: missense variant.
Genome position (GRCh38, 1-based): chr3:78,627,433, A>G on the plus strand (T>C on the coding strand, the complement: ROBO1 is on the minus strand). VCF-style: chr3-78627433-A-G. GRCh37 (hg19) VCF-style: chr3-78676583-A-G.
Other names: c.3463T>C, p.Tyr1155His (NM_001145845.2); c.3628T>C, p.Tyr1210His (NM_133631.4); short protein forms Y1155H, Y1210H, Y1255H.
Identifiers: ClinVar variation 3635771 (VCV003635771.2).